The following is an entry in ClinVar:

NM_000342.4(SLC4A1):c.1354G>A (p.Ala452Thr)

Gene: SLC4A1 (solute carrier family 4 member 1 (Diego blood group); minus strand). Cytogenetic location: 17q21.31.
Variant type: single nucleotide variant.
Coding change: c.1354G>A on transcript NM_000342.4 (MANE Select); coding-DNA position 1354, G replaced by A.
Protein change: p.Ala452Thr; replaces alanine 452 with threonine.
Molecular consequence: missense variant.
Genome position (GRCh38, 1-based): chr17:44,257,736, C>T on the plus strand (G>A on the coding strand, the complement: SLC4A1 is on the minus strand). VCF-style: chr17-44257736-C-T. GRCh37 (hg19) VCF-style: chr17-42335104-C-T.
Other names: p.Ala452Thr; short protein forms A452T.
Identifiers: ClinVar variation 2206140 (VCV002206140.4), dbSNP rs773546206, ClinGen allele CA8600294.

ClinVar aggregate classification (germline): Uncertain significance. Review status: criteria provided, multiple submitters, no conflicts (2 of 4 stars). 3 submissions from 3 submitters: Uncertain significance (3). Last evaluated 2025-05-17.

Conditions:
Inborn genetic diseases. Identifiers: MedGen C0950123, MeSH D030342.

Allele frequency attached by ClinVar (database versions not stated): ExAC 0.00010; gnomAD 0.00001.
gnomAD v4.1: 65 of 1,613,912 alleles (0.004%); highest among the groups gnomAD compares: Middle Eastern, 0.049%; no homozygotes.

Submissions (3):

Mayo Clinic Laboratories, Mayo Clinic
Classification: Uncertain significance. Last evaluated: 2025-05-17. Review status: criteria provided, single submitter. Criteria: ACMG Guidelines, 2015. Collection method: clinical testing. Allele origin: germline. Observed: 1 variant allele.
Comment: PM2_supporting

Labcorp Genetics (formerly Invitae), Labcorp
Classification: Uncertain significance. Last evaluated: 2025-01-19. Review status: criteria provided, single submitter. Criteria: Invitae Variant Classification Sherloc (09022015). Collection method: clinical testing. Allele origin: germline.
Comment: This sequence change replaces alanine, which is neutral and non-polar, with threonine, which is neutral and polar, at codon 452 of the SLC4A1 protein (p.Ala452Thr). This variant is present in population databases (rs773546206, gnomAD 0.02%). This variant has not been reported in the literature in individuals affected with SLC4A1-related conditions. ClinVar contains an entry for this variant (Variation ID: 2206140). Invitae Evidence Modeling of protein sequence and biophysical properties (such as structural, functional, and spatial information, amino acid conservation, physicochemical variation, residue mobility, and thermodynamic stability) indicates that this missense variant is not expected to disrupt SLC4A1 protein function with a negative predictive value of 80%. In summary, the available evidence is currently insufficient to determine the role of this variant in disease. Therefore, it has been classified as a Variant of Uncertain Significance.

Ambry Genetics
Classification: Uncertain significance for Inborn genetic diseases. Last evaluated: 2021-07-09. Review status: criteria provided, single submitter. Criteria: Ambry Variant Classification Scheme 2023. Collection method: clinical testing. Allele origin: germline.